The following is an entry in ClinVar:

ClinVar aggregate classification (germline): Conflicting classifications of pathogenicity. Review status: criteria provided, conflicting classifications (1 of 4 stars). 7 submissions from 7 submitters: Uncertain significance (1); Benign (1); Likely benign (4). 1 of the submissions does not count toward it. Last evaluated 2026-01-26.

Conditions:
Glycogen storage disease IXc (GSD9C). Also called: GSD IXc. Identifiers: Orphanet 264580, MedGen C2751643, MONDO:0013091, OMIM 613027.

Allele frequency attached by ClinVar (database versions not stated): 1000 Genomes Project 0.00020; 1000 Genomes Project 30x 0.00031; TOPMed 0.00136; gnomAD 0.00151 and 0.00158; gnomAD exomes 0.00151 and 0.00262; ExAC 0.00156; ESP Exome Variant Server 0.00185.

Submissions (7):

Labcorp Genetics (formerly Invitae), Labcorp
Classification: Benign for Glycogen storage disease IXc. Last evaluated: 2026-01-26. Review status: criteria provided, single submitter. Criteria: Invitae Variant Classification Sherloc (09022015). Collection method: clinical testing. Allele origin: germline.

Blueprint Genetics
Classification: Likely benign. Last evaluated: 2024-11-27. Review status: criteria provided, single submitter. Criteria: ACMG Guidelines, 2015. Collection method: clinical testing. Allele origin: germline.

CeGaT Center for Human Genetics Tuebingen
Classification: Likely benign. Last evaluated: 2022-12-01. Review status: criteria provided, single submitter. Criteria: CeGaT Center For Human Genetics Tuebingen Variant Classification Criteria Version 2. Collection method: clinical testing. Allele origin: germline. Affected: yes. Observed: 1 variant allele.
Comment: PHKG2: BP4, BP7

GeneDx
Classification: Likely benign. Last evaluated: 2018-06-08. Review status: criteria provided, single submitter. Criteria: GeneDx Variant Classification Process June 2021. Collection method: clinical testing. Allele origin: germline. Affected: yes.

Illumina Laboratory Services, Illumina
Classification: Uncertain significance for Glycogen storage disease IXc. Last evaluated: 2018-01-13. Review status: criteria provided, single submitter. Criteria: ICSL Variant Classification Criteria 13 December 2019. Collection method: clinical testing. Allele origin: germline.

PreventionGenetics, part of Exact Sciences
Classification: Likely benign. Review status: criteria provided, single submitter. Criteria: ACMG Guidelines, 2015. Collection method: clinical testing. Allele origin: germline.

Mayo Clinic Laboratories, Mayo Clinic
Classification: Likely benign. Last evaluated: 2017-12-29. Review status: no assertion criteria provided. Collection method: clinical testing. Allele origin: unknown. Not counted in ClinVar's aggregate classification.

NM_000294.3(PHKG2):c.288C>T (p.Ser96=)

Gene: PHKG2 (phosphorylase kinase catalytic subunit gamma 2; plus strand). Cytogenetic location: 16p11.2.
Variant type: single nucleotide variant.
Coding change: c.288C>T on transcript NM_000294.3 (MANE Select); coding-DNA position 288, C replaced by T.
Protein change: p.Ser96=; no amino-acid change (serine 96 retained).
Molecular consequence: synonymous variant.
Genome position (GRCh38, 1-based): chr16:30,751,565, C>T. VCF-style: chr16-30751565-C-T. GRCh37 (hg19) VCF-style: chr16-30762886-C-T.
Other names: c.288C>T, p.Ser96= (NM_001172432.2).
Identifiers: ClinVar variation 255783 (VCV000255783.45), dbSNP rs56029513, ClinGen allele CA8013103.
Genomic context (GRCh38, chr16:30,751,565, plus strand): 5'-TCCTTTCCATCTCTGTCTCTCTGCCTCTCTTCCTCTCTCCCTAGTCACCCTCATCGATTC[C>T]TACGAGTCTTCTAGCTTCATGTTCCTGGTGTTTGACCTGTGAGTATCTCCCTGCCACCAT-3'
Protein context (NP_000285.1, residues 86-106): GHPHIITLID[Ser96=]YESSSFMFLV